The following is an entry in ClinVar:

NM_000059.4(BRCA2):c.4549A>G (p.Lys1517Glu)

Gene: BRCA2 (BRCA2 DNA repair associated; plus strand). Cytogenetic location: 13q13.1.
Variant type: single nucleotide variant.
Coding change: c.4549A>G on transcript NM_000059.4 (MANE Select); coding-DNA position 4549, A replaced by G.
Protein change: p.Lys1517Glu; replaces lysine 1517 with glutamic acid.
Molecular consequence: missense variant.
Genome position (GRCh38, 1-based): chr13:32,338,904, A>G. VCF-style: chr13-32338904-A-G. GRCh37 (hg19) VCF-style: chr13-32913041-A-G.
Other names: p.K1517E:AAA>GAA; short protein forms K1517E.
Identifiers: ClinVar variation 182210 (VCV000182210.21), dbSNP rs730881532, ClinGen allele CA020401.

ClinVar aggregate classification (germline): Conflicting classifications of pathogenicity. Review status: criteria provided, conflicting classifications (1 of 4 stars). 6 submissions from 6 submitters: Uncertain significance (5); Likely benign (1). Last evaluated 2025-12-10.

Conditions:
BRCA2-related cancer predisposition. Identifiers: MedGen CN377758, MONDO:0700269.
Hereditary cancer-predisposing syndrome. Also called: Tumor predisposition; Hereditary Cancer Syndrome; Hereditary neoplastic syndrome; Neoplastic Syndromes, Hereditary. Identifiers: Orphanet 140162, MedGen C0027672, MeSH D009386, MONDO:0015356.
Hereditary breast ovarian cancer syndrome. Also called: Breast and ovarian cancer; Hereditary breast and ovarian cancer; Hereditary breast and/or ovarian cancer syndrome; BRCA1- and BRCA2-Associated Hereditary Breast and Ovarian Cancer; Hereditary breast and ovarian cancer syndrome (HBOC); Hereditary breast and ovarian cancer syndrome. Identifiers: Orphanet 145, MedGen C0677776, MeSH D061325, MONDO:0003582. Disease mechanism: loss of function.

Allele frequency attached by ClinVar (database versions not stated): gnomAD exomes below 0.00001; ExAC 0.00001.
gnomAD v4.1: 2 of 1,614,022 alleles (0.00012%); highest among the groups gnomAD compares: Non-Finnish European, 0.00017%; no homozygotes.

Submissions (6):

Labcorp Genetics (formerly Invitae), Labcorp
Classification: Uncertain significance for Hereditary breast ovarian cancer syndrome. Last evaluated: 2025-12-10. Review status: criteria provided, single submitter. Criteria: Invitae Variant Classification Sherloc (09022015). Collection method: clinical testing. Allele origin: germline.
Comment: This sequence change replaces lysine, which is basic and polar, with glutamic acid, which is acidic and polar, at codon 1517 of the BRCA2 protein (p.Lys1517Glu). The frequency data for this variant in the population databases is considered unreliable, as metrics indicate poor data quality at this position in the gnomAD database. This variant has not been reported in the literature in individuals affected with BRCA2-related conditions. ClinVar contains an entry for this variant (Variation ID: 182210). Invitae Evidence Modeling of protein sequence and biophysical properties (such as structural, functional, and spatial information, amino acid conservation, physicochemical variation, residue mobility, and thermodynamic stability) indicates that this missense variant is not expected to disrupt BRCA2 protein function with a negative predictive value of 95%. In summary, the available evidence is currently insufficient to determine the role of this variant in disease. Therefore, it has been classified as a Variant of Uncertain Significance.

GeneDx
Classification: Uncertain significance. Last evaluated: 2025-02-12. Review status: criteria provided, single submitter. Criteria: GeneDx Variant Classification Process June 2021. Collection method: clinical testing. Allele origin: germline. Affected: yes.
Comment: Observed in a patient with breast cancer (PMID: 33471991); In silico analysis supports that this missense variant has a deleterious effect on protein structure/function; Not observed at significant frequency in large population cohorts (gnomAD); Also known as 4777A>G; This variant is associated with the following publications: (PMID: 33471991, 32377563, 29884841)

Color Diagnostics, LLC DBA Color Health
Classification: Uncertain significance for Hereditary cancer-predisposing syndrome. Last evaluated: 2025-01-22. Review status: criteria provided, single submitter. Criteria: ACMG Guidelines, 2015. Collection method: clinical testing. Allele origin: germline.
Comment: This missense variant replaces lysine with glutamic acid at codon 1517 of the BRCA2 protein. Computational prediction suggests that this variant may not impact protein structure and function. To our knowledge, functional studies have not been reported for this variant. This variant has been detected in a breast cancer case-control meta-analysis in 1/60466 cases and 0/53461 unaffected individuals (PMID: 33471991; Leiden Open Variation Database DB-ID BRCA2_008236). This variant has been identified in 1/250542 chromosomes in the general population by the Genome Aggregation Database (gnomAD). The available evidence is insufficient to determine the role of this variant in disease conclusively. Therefore, this variant is classified as a Variant of Uncertain Significance.

Ambry Genetics
Classification: Uncertain significance for Hereditary cancer-predisposing syndrome. Last evaluated: 2024-10-04. Review status: criteria provided, single submitter. Criteria: Ambry Variant Classification Scheme 2023. Collection method: clinical testing. Allele origin: germline.
Comment: The p.K1517E variant (also known as c.4549A>G), located in coding exon 10 of the BRCA2 gene, results from an A to G substitution at nucleotide position 4549. The lysine at codon 1517 is replaced by glutamic acid, an amino acid with similar properties. This variant was reported in 1/60,466 breast cancer cases and in 0/53,461 controls (Dorling et al. N Engl J Med. 2021 02;384:428-439). This amino acid position is not well conserved in available vertebrate species. In addition, the in silico prediction for this alteration is inconclusive. Since supporting evidence is limited at this time, the clinical significance of this alteration remains unclear.

All of Us Research Program, National Institutes of Health
Classification: Uncertain significance for BRCA2-related cancer predisposition. Last evaluated: 2024-07-10. Review status: criteria provided, single submitter. Criteria: ACMG Guidelines, 2015. Collection method: clinical testing. Allele origin: germline. Inheritance: Autosomal dominant inheritance. Observed: 1 variant allele, 1 heterozygote.
Comment: This missense variant replaces lysine with glutamic acid at codon 1517 of the BRCA2 protein. Computational prediction suggests that this variant may not impact protein structure and function (internally defined REVEL score threshold <= 0.5, PMID: 27666373). To our knowledge, functional studies have not been reported for this variant. This variant has been reported in an individual affected with breast cancer (PMID: 33471991; Leiden Open Variation Database DB-ID BRCA2_008236). This variant has been identified in 1/250542 chromosomes in the general population by the Genome Aggregation Database (gnomAD). The available evidence is insufficient to determine the role of this variant in disease conclusively. Therefore, this variant is classified as a Variant of Uncertain Significance.

This study involves interpretation of variants in research participants for the purpose of population health screening. Participant phenotype was not available at the time of variant classification. Additional details can be found in publication PMID: 35346344, PMCID: PMC8962531

University of Washington Department of Laboratory Medicine, University of Washington
Classification: Likely benign for Hereditary cancer-predisposing syndrome. Last evaluated: 2023-03-23. Review status: criteria provided, single submitter. Criteria: Dines et al. (Genet Med. 2020). Collection method: curation. Allele origin: germline.
Comment: Missense variant in a coldspot region where missense variants are very unlikely to be pathogenic (PMID:31911673).

BRCA2 exon 11 coldspot. Reclassification based on statistical prior probability.

Literature cited by the submitters: PubMed 33471991 (cited by 3 submitters).